The following is an entry in ClinVar:

ClinVar aggregate classification (germline): Uncertain significance (1 of 4 stars; one submission).

Conditions:
Neurofibromatosis, type 1 (NF1). Also called: Neurofibromatosis, type I; VON RECKLINGHAUSEN DISEASE; NEUROFIBROMATOSIS, TYPE I, SOMATIC; Peripheral type neurofibromatosis. Identifiers: Orphanet 636, MedGen C0027831, MONDO:0018975, OMIM 162200. Disease mechanism: loss of function.

Submission:

Labcorp Genetics (formerly Invitae), Labcorp
Classification: Uncertain significance for Neurofibromatosis, type 1. Last evaluated: 2022-01-17. Review status: criteria provided, single submitter. Criteria: Invitae Variant Classification Sherloc (09022015). Collection method: clinical testing. Allele origin: germline.
Comment: In summary, the available evidence is currently insufficient to determine the role of this variant in disease. Therefore, it has been classified as a Variant of Uncertain Significance. Variants that disrupt the consensus splice site are a relatively common cause of aberrant splicing (PMID: 17576681, 9536098). Algorithms developed to predict the effect of sequence changes on RNA splicing suggest that this variant may disrupt the consensus splice site. This variant has not been reported in the literature in individuals affected with NF1-related conditions. This variant is not present in population databases (gnomAD no frequency). This sequence change falls in intron 46 of the NF1 gene. It does not directly change the encoded amino acid sequence of the NF1 protein. It affects a nucleotide within the consensus splice site.

Literature cited by the submitters: PubMed 17576681; PubMed 9536098.

NM_001042492.3(NF1):c.7062+3A>T

Gene: NF1 (neurofibromin 1; plus strand). Cytogenetic location: 17q11.2.
Variant type: single nucleotide variant.
Coding change: c.7062+3A>T on transcript NM_001042492.3 (MANE Select); 3 bases into the intron after coding-DNA position 7062, A replaced by T.
Molecular consequence: intron variant.
Genome position (GRCh38, 1-based): chr17:31,340,648, A>T. VCF-style: chr17-31340648-A-T. GRCh37 (hg19) VCF-style: chr17-29667666-A-T.
Other names: c.6999+3A>T (NM_000267.4).
Identifiers: ClinVar variation 2086697 (VCV002086697.4), dbSNP rs2151562063, ClinGen allele CA2580093219.